The following is an entry in ClinVar:

ClinVar aggregate classification (germline): Uncertain significance. Review status: criteria provided, multiple submitters, no conflicts (2 of 4 stars). 3 submissions from 3 submitters: Uncertain significance (2). 1 of the submissions does not count toward it. Last evaluated 2026-09-15.

Conditions:
Nephronophthisis-like nephropathy 1 (NPHPL1). Identifiers: Orphanet 655, MedGen C3150419, MONDO:0013163, OMIM 613159.
Left ventricular noncompaction cardiomyopathy. Also called: left ventricular non-compaction cardiomyopathy. Identifiers: MedGen C4021133, HP:0011664.

Allele frequency attached by ClinVar (database versions not stated): gnomAD 0.00001; gnomAD exomes 0.00001; 1000 Genomes Project 0.00020; 1000 Genomes Project 30x 0.00031.
gnomAD v4.1: 7 of 1,614,170 alleles (0.00043%); highest among the groups gnomAD compares: Admixed American, 0.0017%; no homozygotes.

Submissions (3):

Department of Nephrology, Rheumatology and Immunology, Dalian Women and Children's Medical Center
Classification: Uncertain significance for Left ventricular noncompaction cardiomyopathy. Last evaluated: 2026-09-15. Review status: criteria provided, single submitter. Criteria: ACMG Guidelines, 2015. Collection method: clinical testing. Allele origin: inherited. Inheritance: Autosomal recessive inheritance. Affected: yes. Observed: 1 variant allele, 1 compound heterozygote.
Comment: The c.740A>G variant is a missense variant in the XPNPEP3 gene. This variant may alter the primary structure of the protein, potentially leading to disruption of hydrogen bonds. According to the 2015 ACMG/AMP guidelines, this variant is classified as a variant of uncertain significance (VUS), based on the following evidence: PM2, PM3, and PP3. PM2: This variant is rare in population databases (including gnomAD and the 1000 Genomes Project). PP3: Multiple in silico predictive analyses support that this variant has a pathogenic effect.

Labcorp Genetics (formerly Invitae), Labcorp
Classification: Uncertain significance for Nephronophthisis-like nephropathy 1. Last evaluated: 2025-02-03. Review status: criteria provided, single submitter. Criteria: Invitae Variant Classification Sherloc (09022015). Collection method: clinical testing. Allele origin: germline.
Comment: This sequence change replaces lysine, which is basic and polar, with arginine, which is basic and polar, at codon 247 of the XPNPEP3 protein (p.Lys247Arg). This variant is not present in population databases (gnomAD no frequency). This variant has not been reported in the literature in individuals affected with XPNPEP3-related conditions. ClinVar contains an entry for this variant (Variation ID: 2151427). Invitae Evidence Modeling of protein sequence and biophysical properties (such as structural, functional, and spatial information, amino acid conservation, physicochemical variation, residue mobility, and thermodynamic stability) indicates that this missense variant is expected to disrupt XPNPEP3 protein function with a positive predictive value of 80%. In summary, the available evidence is currently insufficient to determine the role of this variant in disease. Therefore, it has been classified as a Variant of Uncertain Significance.

Undiagnosed Diseases Network, NIH
Classification: Uncertain significance for Nephronophthisis-like nephropathy 1. Last evaluated: 2024-02-19. Review status: no assertion criteria provided. Collection method: clinical testing. Allele origin: maternal. Affected: yes. Observed: 2 variant alleles, 1 compound heterozygote. Study: Undiagnosed Diseases Network (NIH), UDN. Not counted in ClinVar's aggregate classification.

NM_022098.4(XPNPEP3):c.740A>G (p.Lys247Arg)

Gene: XPNPEP3 (X-prolyl aminopeptidase 3; plus strand). Cytogenetic location: 22q13.2.
Variant type: single nucleotide variant.
Coding change: c.740A>G on transcript NM_022098.4 (MANE Select); coding-DNA position 740, A replaced by G.
Protein change: p.Lys247Arg; replaces lysine 247 with arginine.
Molecular consequence: missense variant.
Genome position (GRCh38, 1-based): chr22:40,886,463, A>G. VCF-style: chr22-40886463-A-G. GRCh37 (hg19) VCF-style: chr22-41282467-A-G.
Other names: p.K247R; short protein forms K247R.
Identifiers: ClinVar variation 2151427 (VCV002151427.7), dbSNP rs562839653, ClinGen allele CA324523992.